The following is an entry in ClinVar:

NM_015102.5(NPHP4):c.3580A>T (p.Ile1194Leu)

Gene: NPHP4 (nephrocystin 4; minus strand). Cytogenetic location: 1p36.31.
Variant type: single nucleotide variant.
Coding change: c.3580A>T on transcript NM_015102.5 (MANE Select); coding-DNA position 3580, A replaced by T.
Protein change: p.Ile1194Leu; replaces isoleucine 1194 with leucine.
Molecular consequence: missense variant. On other transcripts: non-coding transcript variant (1).
Genome position (GRCh38, 1-based): chr1:5,866,437, T>A on the plus strand (A>T on the coding strand, the complement: NPHP4 is on the minus strand). VCF-style: chr1-5866437-T-A. GRCh37 (hg19) VCF-style: chr1-5926497-T-A.
Other names: c.2041A>T, p.Ile681Leu (NM_001291593.2); c.2044A>T, p.Ile682Leu (NM_001291594.2); short protein forms I681L, I682L, I1194L.
Identifiers: ClinVar variation 1492686 (VCV001492686.5), dbSNP rs1201512603, ClinGen allele CA338051053.
Genomic context (GRCh38, chr1:5,866,437, plus strand): 5'-AAATGATGACAAAGAAGTCTTTGATCTCCGGGCTTGGACCACTGGCCACCTTCAGAAATA[T>A]GTCCCGTGGTTCCCCGGGGCCCTGCCAACCAGATGTGCAGCACATCAGGGCACACAGTGC-3'
Protein context (NP_055917.1, residues 1184-1204): QNVGPGEPRD[Ile1194Leu]FLKVASGPSP

ClinVar aggregate classification (germline): Uncertain significance (1 of 4 stars; one submission).

Conditions:
Nephronophthisis. Also called: Juvenile Nephronophthisis. Identifiers: Orphanet 655, MedGen C0687120, MONDO:0019005, HP:0000090.

Allele frequency attached by ClinVar (database versions not stated): gnomAD exomes below 0.00001.
gnomAD v4.1: 3 of 1,604,902 alleles (0.00019%); highest among the groups gnomAD compares: Non-Finnish European, 0.00017%; no homozygotes.

Submission:

Labcorp Genetics (formerly Invitae), Labcorp
Classification: Uncertain significance for Nephronophthisis. Last evaluated: 2024-01-02. Review status: criteria provided, single submitter. Criteria: Invitae Variant Classification Sherloc (09022015). Collection method: clinical testing. Allele origin: germline.
Comment: This sequence change replaces isoleucine, which is neutral and non-polar, with leucine, which is neutral and non-polar, at codon 1194 of the NPHP4 protein (p.Ile1194Leu). The frequency data for this variant in the population databases is considered unreliable, as metrics indicate poor data quality at this position in the gnomAD database. This variant has not been reported in the literature in individuals affected with NPHP4-related conditions. ClinVar contains an entry for this variant (Variation ID: 1492686). Advanced modeling of protein sequence and biophysical properties (such as structural, functional, and spatial information, amino acid conservation, physicochemical variation, residue mobility, and thermodynamic stability) performed at Invitae indicates that this missense variant is not expected to disrupt NPHP4 protein function with a negative predictive value of 80%. In summary, the available evidence is currently insufficient to determine the role of this variant in disease. Therefore, it has been classified as a Variant of Uncertain Significance.